The following is an entry in ClinVar:

ClinVar aggregate classification (germline): Uncertain significance (1 of 4 stars; one submission).

Conditions:
Hereditary cancer-predisposing syndrome. Also called: Neoplastic Syndromes, Hereditary; Tumor predisposition; Hereditary neoplastic syndrome; Hereditary Cancer Syndrome. Identifiers: Orphanet 140162, MedGen C0027672, MeSH D009386, MONDO:0015356.

Submission:

Ambry Genetics
Classification: Uncertain significance for Hereditary cancer-predisposing syndrome. Last evaluated: 2024-04-16. Review status: criteria provided, single submitter. Criteria: Ambry Variant Classification Scheme 2023. Collection method: clinical testing. Allele origin: germline.
Comment: The p.G20E variant (also known as c.59G>A), located in coding exon 1 of the TSC2 gene, results from a G to A substitution at nucleotide position 59. The glycine at codon 20 is replaced by glutamic acid, an amino acid with similar properties. This amino acid position is highly conserved in available vertebrate species. In addition, this alteration is predicted to be deleterious by in silico analysis. Based on the available evidence, the clinical significance of this variant remains unclear.

NM_000548.5(TSC2):c.59G>A (p.Gly20Glu)

Gene: TSC2 (TSC complex subunit 2; plus strand). Cytogenetic location: 16p13.3.
Variant type: single nucleotide variant.
Coding change: c.59G>A on transcript NM_000548.5 (MANE Select); coding-DNA position 59, G replaced by A.
Protein change: p.Gly20Glu; replaces glycine 20 with glutamic acid.
Molecular consequence: missense variant. On other transcripts: 5 prime UTR variant (19), non-coding transcript variant (5), intron variant (6).
Genome position (GRCh38, 1-based): chr16:2,048,674, G>A. VCF-style: chr16-2048674-G-A. GRCh37 (hg19) VCF-style: chr16-2098675-G-A.
Other names: c.59G>A, p.Gly20Glu (NM_001077183.3, NM_001114382.3, NM_001318827.2 and 13 more transcripts); c.-168G>A (NM_001318831.2, NM_001406682.1, NM_001406684.1 and 2 more transcripts); c.92G>A, p.Gly31Glu (NM_001318832.2); c.-758G>A (NM_001406680.1, NM_001406683.1, NM_001406687.1); c.-387G>A (NM_001406681.1); c.-1373G>A (NM_001406689.1, NM_001406690.1, NM_001406691.1 and 2 more transcripts); c.-1679G>A (NM_001406693.1); c.-1254G>A (NM_001406694.1, NM_001406695.1); and 4 more; short protein forms G20E, G31E.
Identifiers: ClinVar variation 3329491 (VCV003329491.1).
Genomic context (GRCh38, chr16:2,048,674, plus strand): 5'-CCATGGCCAAACCAACAAGCAAAGATTCAGGCTTGAAGGAGAAGTTTAAGATTCTGTTGG[G>A]ACTGGGAACACCGAGGCCAAATCCCAGGTCTGCAGAGGGTAAACAGACGGAGTTTATCAT-3'
Protein context (NP_000539.2, residues 10-30): GLKEKFKILL[Gly20Glu]LGTPRPNPRS